The following is an entry in ClinVar:

ClinVar aggregate classification (germline): Pathogenic/Likely pathogenic. Review status: criteria provided, multiple submitters, no conflicts (2 of 4 stars). 2 submissions from 2 submitters: Pathogenic (1); Likely pathogenic (1). Last evaluated 2025-11-26.

Conditions:
CSF2RA-related disorder. Also called: CSF2RA-related condition.
Surfactant metabolism dysfunction, pulmonary, 4 (SMDP4). Also called: PAP DUE TO CSF2RA DEFICIENCY; PULMONARY ALVEOLAR PROTEINOSIS, CONGENITAL, 4; CSF2RA DEFICIENCY. Identifiers: Orphanet 264675, MedGen C2677877, MONDO:0010424, OMIM 300770.

Allele frequency attached by ClinVar (database versions not stated): gnomAD exomes below 0.00001; TOPMed 0.00001.

Submissions (2):

PreventionGenetics, part of Exact Sciences
Classification: Likely pathogenic for CSF2RA-related condition. Last evaluated: 2025-11-26. Review status: criteria provided, single submitter. Criteria: ACMG Guidelines, 2015. Collection method: clinical testing. Allele origin: germline.
Comment: The CSF2RA c.920_921dupGC variant is predicted to result in a frameshift and premature protein termination (p.Ser308Alafs*25). This variant has been reported in a patient with hereditary pulmonary alveolar proteinosis (Suzuki et al. 2010. PubMed ID: 20622029). This variant is reported in 0.0062% of alleles in individuals of African descent in gnomAD. Frameshift variants in CSF2RA are expected to be pathogenic. This variant is interpreted as likely pathogenic.

Mendelics
Classification: Pathogenic for Surfactant metabolism dysfunction, pulmonary, 4. Last evaluated: 2022-05-04. Review status: criteria provided, single submitter. Criteria: Mendelics Assertion Criteria 2019. Collection method: clinical testing. Allele origin: germline.

NM_172245.4(CSF2RA):c.920_921dup (p.Ser308fs)

Gene: CSF2RA (colony stimulating factor 2 receptor subunit alpha; plus strand). Cytogenetic location: Xp22.33.
Variant type: Duplication.
Coding change: c.920_921dup on transcript NM_172245.4 (MANE Select); coding-DNA positions 920 to 921, 2 bases duplicated (GC; older notation c.920_921dupGC).
Protein change: p.Ser308fs; shifts the reading frame from serine 308.
Molecular consequence: frameshift variant. On other transcripts: intron variant (2).
Genome position (GRCh38, 1-based): chrX:1,300,600-1,300,601, GC duplicated. VCF-style (leftmost placement, unchanged base first): chrX-1300599-A-AGC. GRCh37 (hg19) VCF-style: chrX-1419492-A-AGC.
Other names: c.920_921dupGC (NM_006140.4); c.920_921dup, p.Ser308fs (NM_001161529.2, NM_001161530.2, NM_001161531.2 and 17 more transcripts); c.521_522dup, p.Ser175fs (NM_001161532.2); c.890_891dup, p.Ser298fs (NM_001379160.1); c.647-4846_647-4845dup (NM_172249.4); c.854+1535_854+1536dup (NM_001379166.1); short protein forms S175fs, S298fs, S308fs.
Identifiers: ClinVar variation 1685679 (VCV001685679.2), dbSNP rs1196937077, ClinGen allele CA640157118.